The following is an entry in ClinVar:

ClinVar aggregate classification (germline): Uncertain significance (1 of 4 stars; one submission).

Conditions:
Early-infantile DEE. Also called: Early infantile epileptic encephalopathy; Ohtahara syndrome; Early infantile epileptic encephalopathy with suppression bursts. Identifiers: Orphanet 1934, MedGen C0393706, MONDO:0800491.

Submission:

Labcorp Genetics (formerly Invitae), Labcorp
Classification: Uncertain significance for Early-infantile DEE. Last evaluated: 2023-10-13. Review status: criteria provided, single submitter. Criteria: Invitae Variant Classification Sherloc (09022015). Collection method: clinical testing. Allele origin: germline.
Comment: This sequence change replaces methionine, which is neutral and non-polar, with threonine, which is neutral and polar, at codon 730 of the HCN1 protein (p.Met730Thr). This variant is not present in population databases (gnomAD no frequency). This variant has not been reported in the literature in individuals affected with HCN1-related conditions. ClinVar contains an entry for this variant (Variation ID: 959661). Advanced modeling of protein sequence and biophysical properties (such as structural, functional, and spatial information, amino acid conservation, physicochemical variation, residue mobility, and thermodynamic stability) performed at Invitae indicates that this missense variant is not expected to disrupt HCN1 protein function. In summary, the available evidence is currently insufficient to determine the role of this variant in disease. Therefore, it has been classified as a Variant of Uncertain Significance.

NM_021072.4(HCN1):c.2189T>C (p.Met730Thr)

Gene: HCN1 (hyperpolarization activated cyclic nucleotide gated potassium channel 1; minus strand). Cytogenetic location: 5p12.
Variant type: single nucleotide variant.
Coding change: c.2189T>C on transcript NM_021072.4 (MANE Select); coding-DNA position 2189, T replaced by C.
Protein change: p.Met730Thr; replaces methionine 730 with threonine.
Molecular consequence: missense variant.
Genome position (GRCh38, 1-based): chr5:45,262,405, A>G on the plus strand (T>C on the coding strand, the complement: HCN1 is on the minus strand). VCF-style: chr5-45262405-A-G. GRCh37 (hg19) VCF-style: chr5-45262507-A-G.
Other names: short protein forms M730T.
Identifiers: ClinVar variation 959661 (VCV000959661.10), dbSNP rs1744764294, ClinGen allele CA359703871.